The following is an entry in ClinVar:

ClinVar aggregate classification (germline): Uncertain significance (1 of 4 stars; one submission).

gnomAD v4.1: 1 of 1,600,946 alleles (0.000062%); highest among the groups gnomAD compares: South Asian, 0.0011%; no homozygotes.

Submission:

GeneDx
Classification: Uncertain significance. Last evaluated: 2025-01-02. Review status: criteria provided, single submitter. Criteria: GeneDx Variant Classification Process June 2021. Collection method: clinical testing. Allele origin: germline. Affected: yes.
Comment: Not observed at significant frequency in large population cohorts (gnomAD); In silico analysis supports that this missense variant has a deleterious effect on protein structure/function; Has not been previously published as pathogenic or benign to our knowledge

NM_174936.4(PCSK9):c.874G>A (p.Gly292Arg)

Gene: PCSK9 (proprotein convertase subtilisin/kexin type 9; plus strand). Cytogenetic location: 1p32.3.
Variant type: single nucleotide variant.
Coding change: c.874G>A on transcript NM_174936.4 (MANE Select); coding-DNA position 874, G replaced by A.
Protein change: p.Gly292Arg; replaces glycine 292 with arginine.
Molecular consequence: missense variant. On other transcripts: non-coding transcript variant (8).
Genome position (GRCh38, 1-based): chr1:55,056,067, G>A. VCF-style: chr1-55056067-G-A. GRCh37 (hg19) VCF-style: chr1-55521740-G-A.
Other names: c.997G>A, p.Gly333Arg (NM_001407240.1); c.874G>A, p.Gly292Arg (NM_001407241.1, NM_001407244.1, NM_001407247.1); c.877G>A, p.Gly293Arg (NM_001407242.1); c.817G>A, p.Gly273Arg (NM_001407243.1); c.682G>A, p.Gly228Arg (NM_001407245.1); c.499G>A, p.Gly167Arg (NM_001407246.1); short protein forms G293R, G333R, G292R, G167R, G228R, G273R.
Identifiers: ClinVar variation 4055944 (VCV004055944.1).
Genomic context (GRCh38, chr1:55,056,067, plus strand): 5'-CGGAAAAGCCAGCTGGTCCAGCCTGTGGGGCCACTGGTGGTGCTGCTGCCCCTGGCGGGT[G>A]GGTACAGCCGCGTCCTCAACGCCGCCTGCCAGCGCCTGGCGAGGGCTGGGGTCGTGCTGG-3'
Protein context (NP_777596.2, residues 282-302): PLVVLLPLAG[Gly292Arg]YSRVLNAACQ